The following is an entry in ClinVar:

ClinVar aggregate classification (germline): Uncertain significance. Review status: criteria provided, multiple submitters, no conflicts (2 of 4 stars). 5 submissions from 5 submitters: Uncertain significance (4). 1 of the submissions does not count toward it. Last evaluated 2025-12-02.

Conditions:
Inborn genetic diseases. Identifiers: MedGen C0950123, MeSH D030342.
Retinal dystrophy. Also called: Inherited retinal dystrophy. Identifiers: Orphanet 71862, MedGen C0854723, MeSH D058499, MONDO:0019118, HP:0000556.

Allele frequency attached by ClinVar (database versions not stated): gnomAD exomes 0.00004; gnomAD 0.00006; TOPMed 0.00007; ExAC 0.00013; ESP Exome Variant Server 0.00017.
gnomAD v4.1: 60 of 1,551,680 alleles (0.0039%); highest among the groups gnomAD compares: Non-Finnish European, 0.0049%; no homozygotes.

Submissions (5):

Ambry Genetics
Classification: Uncertain significance for Inborn genetic diseases. Last evaluated: 2025-12-02. Review status: criteria provided, single submitter. Criteria: Ambry Variant Classification Scheme 2023. Collection method: clinical testing. Allele origin: germline.

Blueprint Genetics
Classification: Uncertain significance. Last evaluated: 2024-10-22. Review status: criteria provided, single submitter. Criteria: ACMG Guidelines, 2015. Collection method: clinical testing. Allele origin: germline.

Labcorp Genetics (formerly Invitae), Labcorp
Classification: Uncertain significance. Last evaluated: 2022-05-19. Review status: criteria provided, single submitter. Criteria: Invitae Variant Classification Sherloc (09022015). Collection method: clinical testing. Allele origin: germline.
Comment: This sequence change replaces arginine, which is basic and polar, with glycine, which is neutral and non-polar, at codon 1864 of the KIAA1549 protein (p.Arg1864Gly). This variant is present in population databases (rs377654979, gnomAD 0.004%). This variant has not been reported in the literature in individuals affected with KIAA1549-related conditions. ClinVar contains an entry for this variant (Variation ID: 940286). Algorithms developed to predict the effect of missense changes on protein structure and function (SIFT, PolyPhen-2, Align-GVGD) all suggest that this variant is likely to be disruptive. In summary, the available evidence is currently insufficient to determine the role of this variant in disease. Therefore, it has been classified as a Variant of Uncertain Significance.

Breakthrough Genomics
Classification: Uncertain significance. Review status: criteria provided, single submitter. Criteria: ACMG Guidelines, 2015. Collection method: not provided. Allele origin: germline. Inheritance: Autosomal recessive inheritance. Affected: yes.

Institute of Human Genetics, Univ. Regensburg, Univ. Regensburg
Classification: Uncertain significance for Retinal dystrophy. Last evaluated: 2017-01-01. Review status: no assertion criteria provided. Criteria: ACMG Guidelines, 2015. Collection method: clinical testing. Allele origin: germline. Affected: yes. Not counted in ClinVar's aggregate classification.

NM_001164665.2(KIAA1549):c.5590A>G (p.Arg1864Gly)

Gene: KIAA1549 (KIAA1549; minus strand). Cytogenetic location: 7q34.
Variant type: single nucleotide variant.
Coding change: c.5590A>G on transcript NM_001164665.2 (MANE Select); coding-DNA position 5590, A replaced by G.
Protein change: p.Arg1864Gly; replaces arginine 1864 with glycine.
Molecular consequence: missense variant.
Genome position (GRCh38, 1-based): chr7:138,840,141, T>C on the plus strand (A>G on the coding strand, the complement: KIAA1549 is on the minus strand). VCF-style: chr7-138840141-T-C. GRCh37 (hg19) VCF-style: chr7-138524886-T-C.
Other names: c.5590A>G, p.Arg1864Gly (NM_020910.3); short protein forms R1864G.
Identifiers: ClinVar variation 940286 (VCV000940286.12), dbSNP rs377654979, ClinGen allele CA4505513.